The following is an entry in ClinVar:

ClinVar aggregate classification (germline): Conflicting classifications of pathogenicity. Review status: criteria provided, conflicting classifications (1 of 4 stars). 2 submissions from 2 submitters: Uncertain significance (1); Likely benign (1). Last evaluated 2025-06-19.

Conditions:
Genitopatellar syndrome (GTPTS). Also called: ABSENT PATELLAE, SCROTAL HYPOPLASIA, RENAL ANOMALIES, FACIAL DYSMORPHISM, AND MENTAL RETARDATION; Genitopatellar syndrome (GPS). Identifiers: Orphanet 85201, MedGen C1853566, MONDO:0011640, OMIM 606170.

Submissions (2):

Labcorp Genetics (formerly Invitae), Labcorp
Classification: Uncertain significance for Genitopatellar syndrome. Last evaluated: 2025-06-19. Review status: criteria provided, single submitter. Criteria: Invitae Variant Classification Sherloc (09022015). Collection method: clinical testing. Allele origin: germline.
Comment: This sequence change replaces aspartic acid, which is acidic and polar, with glutamic acid, which is acidic and polar, at codon 1077 of the KAT6B protein (p.Asp1077Glu). The frequency data for this variant in the population databases is considered unreliable, as metrics indicate poor data quality at this position in the gnomAD database. This variant has not been reported in the literature in individuals affected with KAT6B-related conditions. ClinVar contains an entry for this variant (Variation ID: 1435063). An algorithm developed to predict the effect of missense changes on protein structure and function outputs the following: PolyPhen-2: "Benign". The glutamic acid amino acid residue is found in multiple mammalian species, which suggests that this missense change does not adversely affect protein function. In summary, the available evidence is currently insufficient to determine the role of this variant in disease. Therefore, it has been classified as a Variant of Uncertain Significance.

CeGaT Center for Human Genetics Tuebingen
Classification: Likely benign. Last evaluated: 2024-05-01. Review status: criteria provided, single submitter. Criteria: CeGaT Center For Human Genetics Tuebingen Variant Classification Criteria Version 2. Collection method: clinical testing. Allele origin: germline. Affected: yes. Observed: 2 variant alleles.
Comment: KAT6B: BP4

NM_012330.4(KAT6B):c.3231C>G (p.Asp1077Glu)

Gene: KAT6B (lysine acetyltransferase 6B; plus strand). Cytogenetic location: 10q22.2.
Variant type: single nucleotide variant.
Coding change: c.3231C>G on transcript NM_012330.4 (MANE Select); coding-DNA position 3231, C replaced by G.
Protein change: p.Asp1077Glu; replaces aspartic acid 1077 with glutamic acid.
Molecular consequence: missense variant.
Genome position (GRCh38, 1-based): chr10:75,022,090, C>G. VCF-style: chr10-75022090-C-G. GRCh37 (hg19) VCF-style: chr10-76781848-C-G.
Other names: c.2682C>G, p.Asp894Glu (NM_001256468.2, NM_001370138.1); c.2355C>G, p.Asp785Glu (NM_001256469.2, NM_001370139.1, NM_001370140.1 and 2 more transcripts); c.2193C>G, p.Asp731Glu (NM_001370132.1); c.1542C>G, p.Asp514Glu (NM_001370133.1); c.1146C>G, p.Asp382Glu (NM_001370134.1); c.888C>G, p.Asp296Glu (NM_001370135.1); c.3231C>G, p.Asp1077Glu (NM_001370136.1, NM_001370137.1); c.2166C>G, p.Asp722Glu (NM_001370143.1, NM_001370144.1); short protein forms D1077E, D382E, D514E, D894E, D296E, D731E, D785E, D722E.
Identifiers: ClinVar variation 1435063 (VCV001435063.30), dbSNP rs11001247, ClinGen allele CA5564753.
Genomic context (GRCh38, chr10:75,022,090, plus strand): 5'-GCGAGGGCAGCTGCTGGAGCTGTCTAAAGAGAGCAGTGAAGAAGAAGAGGAGGAGGAGGA[C>G]GAGGAGGAGGAAGAAGAGGAGGAAGAAGAGGAAGAGGATGAAGAGGAGGAAGAAGAGGAA-3'
Protein context (NP_036462.2, residues 1067-1087): ESSEEEEEEE[Asp1077Glu]EEEEEEEEEE